The following is an entry in ClinVar:

NM_001711.6(BGN):c.1073G>A (p.Arg358His)

Gene: BGN (biglycan; plus strand). Cytogenetic location: Xq28.
Variant type: single nucleotide variant.
Coding change: c.1073G>A on transcript NM_001711.6 (MANE Select); coding-DNA position 1073, G replaced by A.
Protein change: p.Arg358His; replaces arginine 358 with histidine.
Molecular consequence: missense variant.
Genome position (GRCh38, 1-based): chrX:153,508,411, G>A. VCF-style: chrX-153508411-G-A. GRCh37 (hg19) VCF-style: chrX-152773869-G-A.
Other names: c.1073G>A (NM_001711.4); short protein forms R358H.
Identifiers: ClinVar variation 1400267 (VCV001400267.8), dbSNP rs1387553935, ClinGen allele CA415071986.
Genomic context (GRCh38, chrX:153,508,411, plus strand): 5'-TCAACAACCCCGTGCCCTACTGGGAGGTGCAGCCGGCCACTTTCCGCTGCGTCACTGACC[G>A]CCTGGCCATCCAGTTTGGCAACTACAAAAAGTAGAGGCAGCTGCAGCCACCGCGGGGCCT-3'
Protein context (NP_001702.1, residues 348-368): QPATFRCVTD[Arg358His]LAIQFGNYKK

ClinVar aggregate classification (germline): Uncertain significance. Review status: criteria provided, multiple submitters, no conflicts (2 of 4 stars). 2 submissions from 2 submitters: Uncertain significance (2). Last evaluated 2025-04-01.

Conditions:
Cardiovascular phenotype. Identifiers: MedGen CN230736.

Allele frequency attached by ClinVar (database versions not stated): TOPMed 0.00002; gnomAD 0.00003.
gnomAD v4.1: 37 of 1,210,731 alleles (0.0031%); highest among the groups gnomAD compares: East Asian, 0.012%; no homozygotes.

Submissions (2):

Labcorp Genetics (formerly Invitae), Labcorp
Classification: Uncertain significance. Last evaluated: 2025-04-01. Review status: criteria provided, single submitter. Criteria: Invitae Variant Classification Sherloc (09022015). Collection method: clinical testing. Allele origin: germline.
Comment: This sequence change replaces arginine, which is basic and polar, with histidine, which is basic and polar, at codon 358 of the BGN protein (p.Arg358His). This variant is present in population databases (no rsID available, gnomAD 0.007%). This variant has not been reported in the literature in individuals affected with BGN-related conditions. ClinVar contains an entry for this variant (Variation ID: 1400267). An algorithm developed to predict the effect of missense changes on protein structure and function (PolyPhen-2) suggests that this variant is likely to be disruptive. In summary, the available evidence is currently insufficient to determine the role of this variant in disease. Therefore, it has been classified as a Variant of Uncertain Significance.

Ambry Genetics
Classification: Uncertain significance for Cardiovascular phenotype. Last evaluated: 2022-11-17. Review status: criteria provided, single submitter. Criteria: Ambry Variant Classification Scheme 2023. Collection method: clinical testing. Allele origin: germline.
Comment: The p.R358H variant (also known as c.1073G>A), located in coding exon 7 of the BGN gene, results from a G to A substitution at nucleotide position 1073. The arginine at codon 358 is replaced by histidine, an amino acid with highly similar properties. This amino acid position is conserved. In addition, this alteration is predicted to be tolerated by in silico analysis. Since supporting evidence is limited at this time, the clinical significance of this alteration remains unclear.